The following is an entry in ClinVar:

NM_015404.4(WHRN):c.2073C>T (p.Ser691=)

Gene: WHRN (whirlin; minus strand). Cytogenetic location: 9q32.
Variant type: single nucleotide variant.
Coding change: c.2073C>T on transcript NM_015404.4 (MANE Select); coding-DNA position 2073, C replaced by T.
Protein change: p.Ser691=; no amino-acid change (serine 691 retained).
Molecular consequence: synonymous variant.
Genome position (GRCh38, 1-based): chr9:114,406,518, G>A on the plus strand (C>T on the coding strand, the complement: WHRN is on the minus strand). VCF-style: chr9-114406518-G-A. GRCh37 (hg19) VCF-style: chr9-117168798-G-A.
Other names: c.924C>T, p.Ser308= (NM_001083885.3); c.2073C>T, p.Ser691= (NM_001173425.2); c.1020C>T, p.Ser340= (NM_001346890.1).
Identifiers: ClinVar variation 506032 (VCV000506032.15), dbSNP rs768690928, ClinGen allele CA5205741.

ClinVar aggregate classification (germline): Likely benign. Review status: criteria provided, multiple submitters, no conflicts (2 of 4 stars). 2 submissions from 2 submitters: Likely benign (2). Last evaluated 2025-12-30.

Allele frequency attached by ClinVar (database versions not stated): ExAC 0.00001; gnomAD exomes 0.00001 and 0.00002; gnomAD 0.00004; TOPMed 0.00004.
gnomAD v4.1: 32 of 1,613,966 alleles (0.002%); highest among the groups gnomAD compares: Middle Eastern, 0.016%; no homozygotes.

Submissions (2):

Labcorp Genetics (formerly Invitae), Labcorp
Classification: Likely benign. Last evaluated: 2025-12-30. Review status: criteria provided, single submitter. Criteria: Invitae Variant Classification Sherloc (09022015). Collection method: clinical testing. Allele origin: germline.

Laboratory for Molecular Medicine, Mass General Brigham Personalized Medicine
Classification: Likely benign. Last evaluated: 2017-08-23. Review status: criteria provided, single submitter. Criteria: LMM Criteria. Collection method: clinical testing. Allele origin: germline. Observed: 1 variant allele.
Comment: p.Ser691Ser in exon 9 of DFNB31: This variant is not expected to have clinical s ignificance because it does not alter an amino acid residue and is not located w ithin the splice consensus sequence. It has been identified in 1/66372 European chromosomes by the Exome Aggregation Consortium (ExAC; dbSNP rs768690928).